The following is an entry in ClinVar:

NM_174878.3(CLRN1):c.160C>T (p.Leu54=)

Gene: CLRN1 (clarin 1; minus strand). Cytogenetic location: 3q25.1.
Variant type: single nucleotide variant.
Coding change: c.160C>T on transcript NM_174878.3 (MANE Select); coding-DNA position 160, C replaced by T.
Protein change: p.Leu54=; no amino-acid change (leucine 54 retained).
Molecular consequence: synonymous variant. On other transcripts: non-coding transcript variant (1).
Genome position (GRCh38, 1-based): chr3:150,972,549, G>A on the plus strand (C>T on the coding strand, the complement: CLRN1 is on the minus strand). VCF-style: chr3-150972549-G-A. GRCh37 (hg19) VCF-style: chr3-150690336-G-A.
Other names: c.160C>T (NM_174878.2); c.160C>T, p.Leu54= (NM_001195794.1, NM_001256819.2).
Identifiers: ClinVar variation 1157961 (VCV001157961.10), dbSNP rs770667302, ClinGen allele CA2666202.

ClinVar aggregate classification (germline): Conflicting classifications of pathogenicity. Review status: criteria provided, conflicting classifications (1 of 4 stars). 2 submissions from 2 submitters: Uncertain significance (1); Likely benign (1). Last evaluated 2025-03-06.

Allele frequency attached by ClinVar (database versions not stated): gnomAD 0.00001.
gnomAD v4.1: 1 of 1,614,036 alleles (0.000062%); highest among the groups gnomAD compares: East Asian, 0.0022%; no homozygotes.

Submissions (2):

GeneDx
Classification: Uncertain significance. Last evaluated: 2025-03-06. Review status: criteria provided, single submitter. Criteria: GeneDx Variant Classification Process June 2021. Collection method: clinical testing. Allele origin: germline. Affected: yes.
Comment: In silico analysis indicates that this variant does not alter splicing; Has not been previously published as pathogenic or benign to our knowledge

Labcorp Genetics (formerly Invitae), Labcorp
Classification: Likely benign. Last evaluated: 2023-06-16. Review status: criteria provided, single submitter. Criteria: Invitae Variant Classification Sherloc (09022015). Collection method: clinical testing. Allele origin: germline.